The following is an entry in ClinVar:

NM_001130987.2(DYSF):c.1219G>A (p.Ala407Thr)

Gene: DYSF (dysferlin; plus strand). Cytogenetic location: 2p13.2.
Variant type: single nucleotide variant.
Coding change: c.1219G>A on transcript NM_001130987.2 (MANE Select); coding-DNA position 1219, G replaced by A.
Protein change: p.Ala407Thr; replaces alanine 407 with threonine.
Molecular consequence: missense variant.
Genome position (GRCh38, 1-based): chr2:71,526,289, G>A. VCF-style: chr2-71526289-G-A. GRCh37 (hg19) VCF-style: chr2-71753419-G-A.
Other names: c.1126G>A, p.Ala376Thr (NM_001130455.2, NM_001130983.2, NM_001130984.2 and 1 more transcripts); c.1123G>A, p.Ala375Thr (NM_001130976.2, NM_001130977.2, NM_001130978.2 and 1 more transcripts); c.1216G>A, p.Ala406Thr (NM_001130979.2, NM_001130980.2, NM_001130981.2); c.1219G>A, p.Ala407Thr (NM_001130982.2, NM_001130985.2); short protein forms A375T, A407T, A376T, A406T.
Identifiers: ClinVar variation 595111 (VCV000595111.7), dbSNP rs1559079525, ClinGen allele CA347213327.

ClinVar aggregate classification (germline): Uncertain significance. Review status: criteria provided, multiple submitters, no conflicts (2 of 4 stars). 2 submissions from 2 submitters: Uncertain significance (2). Last evaluated 2021-11-08.

Conditions:
Neuromuscular disease caused by qualitative or quantitative defects of dysferlin. Also called: Qualitative or quantitative defects of dysferlin; Dysferlinopathy. Identifiers: Orphanet 207073, MedGen C2931687, MONDO:0016145.

Allele frequency attached by ClinVar (database versions not stated): gnomAD exomes below 0.00001; TOPMed below 0.00001.
gnomAD v4.1: 2 of 1,614,244 alleles (0.00012%); highest among the groups gnomAD compares: Non-Finnish European, 0.000085%; no homozygotes.

Submissions (2):

Labcorp Genetics (formerly Invitae), Labcorp
Classification: Uncertain significance for Neuromuscular disease caused by qualitative or quantitative defects of dysferlin. Last evaluated: 2021-11-08. Review status: criteria provided, single submitter. Criteria: Invitae Variant Classification Sherloc (09022015). Collection method: clinical testing. Allele origin: germline.
Comment: This sequence change replaces alanine, which is neutral and non-polar, with threonine, which is neutral and polar, at codon 375 of the DYSF protein (p.Ala375Thr). This variant is not present in population databases (gnomAD no frequency). This variant has not been reported in the literature in individuals affected with DYSF-related conditions. ClinVar contains an entry for this variant (Variation ID: 595111). Advanced modeling of protein sequence and biophysical properties (such as structural, functional, and spatial information, amino acid conservation, physicochemical variation, residue mobility, and thermodynamic stability) performed at Invitae indicates that this missense variant is not expected to disrupt DYSF protein function. In summary, the available evidence is currently insufficient to determine the role of this variant in disease. Therefore, it has been classified as a Variant of Uncertain Significance.

Eurofins Ntd Llc (ga)
Classification: Uncertain significance. Last evaluated: 2017-11-21. Review status: criteria provided, single submitter. Criteria: EGL Classification Definitions 2015. Collection method: clinical testing. Allele origin: germline. Observed: 1 variant allele, 1 heterozygote.